The following is an entry in ClinVar:

NM_005393.3(PLXNB3):c.3479G>A (p.Arg1160His)

Gene: PLXNB3 (plexin B3; plus strand). Cytogenetic location: Xq28.
Variant type: single nucleotide variant.
Coding change: c.3479G>A on transcript NM_005393.3 (MANE Select); coding-DNA position 3479, G replaced by A.
Protein change: p.Arg1160His; replaces arginine 1160 with histidine.
Molecular consequence: missense variant.
Genome position (GRCh38, 1-based): chrX:153,774,058, G>A. VCF-style: chrX-153774058-G-A. GRCh37 (hg19) VCF-style: chrX-153039513-G-A.
Other names: c.3548G>A, p.Arg1183His (NM_001163257.2); short protein forms R1160H, R1183H.
Identifiers: ClinVar variation 2354345 (VCV002354345.27), dbSNP rs146891755, ClinGen allele CA337235066.

ClinVar aggregate classification (germline): Conflicting classifications of pathogenicity. Review status: criteria provided, conflicting classifications (1 of 4 stars). 2 submissions from 2 submitters: Uncertain significance (1); Likely benign (1). Last evaluated 2024-06-26.

Allele frequency attached by ClinVar (database versions not stated): ExAC 0.00024; gnomAD 0.00044; TOPMed 0.00045; ESP Exome Variant Server 0.00059.
gnomAD v4.1: 660 of 1,188,854 alleles (0.056%); highest among the groups gnomAD compares: Non-Finnish European, 0.069%; no homozygotes.

Submissions (2):

Ambry Genetics
Classification: Uncertain significance. Last evaluated: 2024-06-26. Review status: criteria provided, single submitter. Criteria: Ambry Variant Classification Scheme 2023. Collection method: clinical testing. Allele origin: germline.

CeGaT Center for Human Genetics Tuebingen
Classification: Likely benign. Last evaluated: 2023-03-01. Review status: criteria provided, single submitter. Criteria: CeGaT Center For Human Genetics Tuebingen Variant Classification Criteria Version 2. Collection method: clinical testing. Allele origin: germline. Affected: yes. Observed: 1 variant allele.
Comment: PLXNB3: BP4, BS2